The following is an entry in ClinVar:

NM_054027.6(ANKH):c.*1271A>C

Genes: OTULIN (OTU deubiquitinase with linear linkage specificity; plus strand), ANKH (ANKH inorganic pyrophosphate transport regulator; minus strand). Cytogenetic location: 5p15.2.
Variant type: single nucleotide variant.
Coding change: c.*1271A>C on transcript NM_054027.6 (MANE Select); 1271 bases downstream of the stop codon, A replaced by C.
Molecular consequence: 3 prime UTR variant.
Genome position (GRCh38, 1-based): chr5:14,709,926, T>G on the plus strand (A>C on the coding strand, the complement: ANKH is on the minus strand). VCF-style: chr5-14709926-T-G. GRCh37 (hg19) VCF-style: chr5-14710035-T-G.
Identifiers: ClinVar variation 351468 (VCV000351468.6), dbSNP rs25990, ClinGen allele CA10623036.

ClinVar aggregate classification (germline): Benign. Review status: criteria provided, multiple submitters, no conflicts (2 of 4 stars). 3 submissions from 2 submitters: Benign (3). Last evaluated 2018-01-12.

Conditions:
Chondrocalcinosis 2. Also called: CALCIUM GOUT; CALCIUM PYROPHOSPHATE ARTHROPATHY; Familial calcium pyrophosphate deposition. Identifiers: Orphanet 1416, MedGen C0856830, MONDO:0007319, OMIM 118600.
Craniometaphyseal dysplasia, autosomal dominant (CMDD). Identifiers: Orphanet 1522, MedGen C1852502, MONDO:0007397, OMIM 123000.

Allele frequency attached by ClinVar (database versions not stated): 1000 Genomes Project 0.96406; 1000 Genomes Project 30x 0.96658; gnomAD 0.99333 and 0.99568; TOPMed 0.99344; gnomAD exomes 1.00000.
gnomAD v4.1: 151,434 of 152,462 alleles (99%); highest among the groups gnomAD compares: Middle Eastern, 100%; 75,295 homozygotes.

Submissions (3):

Illumina Laboratory Services, Illumina
Classification: Benign for Chondrocalcinosis 2. Last evaluated: 2018-01-12. Review status: criteria provided, single submitter. Criteria: ICSL Variant Classification Criteria 13 December 2019. Collection method: clinical testing. Allele origin: germline.
Comment: This variant was observed in the ICSL laboratory as part of a predisposition screen in an ostensibly healthy population. It had not been previously curated by ICSL or reported in the Human Gene Mutation Database (HGMD: prior to June 1st, 2018), and was therefore a candidate for classification through an automated scoring system. Utilizing variant allele frequency, disease prevalence and penetrance estimates, and inheritance mode, an automated score was calculated to assess if this variant is too frequent to cause the disease. Based on the score and internal cut-off values, a variant classified as benign is not then subjected to further curation. The score for this variant resulted in a classification of benign for this disease.

Illumina Laboratory Services, Illumina
Classification: Benign for Craniometaphyseal dysplasia, autosomal dominant. Last evaluated: 2018-01-12. Review status: criteria provided, single submitter. Criteria: ICSL Variant Classification Criteria 13 December 2019. Collection method: clinical testing. Allele origin: germline.
Comment: the same text as in the submission from Illumina Laboratory Services, Illumina above.

Breakthrough Genomics
Classification: Benign. Review status: criteria provided, single submitter. Criteria: ACMG Guidelines, 2015. Collection method: not provided. Allele origin: germline. Inheritance: Autosomal dominant inheritance. Affected: yes.